The following is an entry in ClinVar:

ClinVar aggregate classification (germline): Uncertain significance (1 of 4 stars; one submission).

Submission:

Ambry Genetics
Classification: Uncertain significance. Last evaluated: 2025-12-12. Review status: criteria provided, single submitter. Criteria: Ambry Variant Classification Scheme 2023. Collection method: clinical testing. Allele origin: germline.
Comment: The p.V509E variant (also known as c.1526T>A), located in coding exon 8 of the RNF43 gene, results from a T to A substitution at nucleotide position 1526. The valine at codon 509 is replaced by glutamic acid, an amino acid with dissimilar properties. This amino acid position is conserved. In addition, the in silico prediction for this alteration is inconclusive. Based on the available evidence, the clinical significance of this variant remains unclear.

NM_017763.6(RNF43):c.1526T>A (p.Val509Glu)

Gene: RNF43 (ring finger protein 43; minus strand). Cytogenetic location: 17q22.
Variant type: single nucleotide variant.
Coding change: c.1526T>A on transcript NM_017763.6 (MANE Select); coding-DNA position 1526, T replaced by A.
Protein change: p.Val509Glu; replaces valine 509 with glutamic acid.
Molecular consequence: missense variant.
Genome position (GRCh38, 1-based): chr17:58,358,250, A>T on the plus strand (T>A on the coding strand, the complement: RNF43 is on the minus strand). VCF-style: chr17-58358250-A-T. GRCh37 (hg19) VCF-style: chr17-56435611-A-T.
Other names: c.1526T>A, p.Val509Glu (NM_001305544.3, NM_001438820.1, NM_001438821.1 and 1 more transcripts); c.1145T>A, p.Val382Glu (NM_001305545.2, NM_001437987.1); short protein forms V382E, V509E.
Identifiers: ClinVar variation 4579018 (VCV004579018.1).
Genomic context (GRCh38, chr17:58,358,250, plus strand): 5'-CGAGAGGTCACACTAGGCTGCATGTCCACTCGCTGGGGATCCCCTTTAGGGCTGCAGTAC[A>T]CTAGGGGGTCAAAGTCACTGCTTAGGGAGCTGCAGAAAGTAGAACTGCTGCCATGGACCC-3'
Protein context (NP_060233.3, residues 499-519): SSLSSDFDPL[Val509Glu]YCSPKGDPQR